The following is an entry in ClinVar:

NM_001711.6(BGN):c.335G>C (p.Gly112Ala)

Gene: BGN (biglycan; plus strand). Cytogenetic location: Xq28.
Variant type: single nucleotide variant.
Coding change: c.335G>C on transcript NM_001711.6 (MANE Select); coding-DNA position 335, G replaced by C.
Protein change: p.Gly112Ala; replaces glycine 112 with alanine.
Molecular consequence: missense variant.
Genome position (GRCh38, 1-based): chrX:153,505,334, G>C. VCF-style: chrX-153505334-G-C. GRCh37 (hg19) VCF-style: chrX-152770792-G-C.
Other names: short protein forms G112A.
Identifiers: ClinVar variation 3655261 (VCV003655261.2).

ClinVar aggregate classification (germline): Uncertain significance (1 of 4 stars; one submission).

Submission:

Labcorp Genetics (formerly Invitae), Labcorp
Classification: Uncertain significance. Last evaluated: 2024-06-06. Review status: criteria provided, single submitter. Criteria: Invitae Variant Classification Sherloc (09022015). Collection method: clinical testing. Allele origin: germline.
Comment: This sequence change replaces glycine, which is neutral and non-polar, with alanine, which is neutral and non-polar, at codon 112 of the BGN protein (p.Gly112Ala). This variant is not present in population databases (gnomAD no frequency). This variant has not been reported in the literature in individuals affected with BGN-related conditions. Advanced modeling of protein sequence and biophysical properties (such as structural, functional, and spatial information, amino acid conservation, physicochemical variation, residue mobility, and thermodynamic stability) performed at Invitae indicates that this missense variant is not expected to disrupt BGN protein function with a negative predictive value of 80%. In summary, the available evidence is currently insufficient to determine the role of this variant in disease. Therefore, it has been classified as a Variant of Uncertain Significance.